The following is an entry in ClinVar:

NM_000271.5(NPC1):c.501A>G (p.Ser167=)

Gene: NPC1 (NPC intracellular cholesterol transporter 1; minus strand). Cytogenetic location: 18q11.2.
Variant type: single nucleotide variant.
Coding change: c.501A>G on transcript NM_000271.5 (MANE Select); coding-DNA position 501, A replaced by G.
Protein change: p.Ser167=; no amino-acid change (serine 167 retained).
Molecular consequence: synonymous variant.
Genome position (GRCh38, 1-based): chr18:23,561,490, T>C on the plus strand (A>G on the coding strand, the complement: NPC1 is on the minus strand). VCF-style: chr18-23561490-T-C. GRCh37 (hg19) VCF-style: chr18-21141454-T-C.
Identifiers: ClinVar variation 326278 (VCV000326278.25), dbSNP rs202148667, ClinGen allele CA8913719.
Genomic context (GRCh38, chr18:23,561,490, plus strand): 5'-GGTGGCATTACAGGCGTCAGCGTCCTTCCCACACAGGAGTCCCAGGGCCTTGTCATTACT[T>C]GAGGGGGCCTCCACATCCCGGCAGGCATTGTACATTGCTAGAAGAGGAAACCCAAAGGAA-3'
Protein context (NP_000262.2, residues 157-177): YNACRDVEAP[Ser167=]SNDKALGLLC

ClinVar aggregate classification (germline): Benign/Likely benign. Review status: criteria provided, multiple submitters, no conflicts (2 of 4 stars). 7 submissions from 7 submitters: Benign (1); Likely benign (4). 2 of the submissions do not count toward it. Last evaluated 2026-02-02.

Conditions:
Niemann-Pick disease, type C1. Also called: NIEMANN-PICK DISEASE, VARIANT TYPE C1; NEUROVISCERAL STORAGE DISEASE WITH VERTICAL SUPRANUCLEAR OPHTHALMOPLEGIA; NIEMANN-PICK DISEASE WITH CHOLESTEROL ESTERIFICATION BLOCK; NIEMANN-PICK DISEASE WITHOUT SPHINGOMYELINASE DEFICIENCY; NIEMANN-PICK DISEASE, CHRONIC NEURONOPATHIC FORM. Identifiers: Orphanet 646, MedGen C3179455, MONDO:0009757, OMIM 257220.
NPC1-related disorder. Also called: NPC1-related condition.

Allele frequency attached by ClinVar (database versions not stated): gnomAD 0.00011 and 0.00021; 1000 Genomes Project 0.00020; TOPMed 0.00030; 1000 Genomes Project 30x 0.00031; gnomAD exomes 0.00047; ExAC 0.00053.
gnomAD v4.1: 428 of 1,614,100 alleles (0.027%); highest among the groups gnomAD compares: East Asian, 0.84%; 3 homozygotes.

Submissions (7):

Labcorp Genetics (formerly Invitae), Labcorp
Classification: Benign for Niemann-Pick disease, type C1. Last evaluated: 2026-02-02. Review status: criteria provided, single submitter. Criteria: Invitae Variant Classification Sherloc (09022015). Collection method: clinical testing. Allele origin: germline.

Blueprint Genetics
Classification: Likely benign. Last evaluated: 2024-06-14. Review status: criteria provided, single submitter. Criteria: ACMG Guidelines, 2015. Collection method: clinical testing. Allele origin: germline.

GeneDx
Classification: Likely benign. Last evaluated: 2021-01-19. Review status: criteria provided, single submitter. Criteria: GeneDx Variant Classification Process June 2021. Collection method: clinical testing. Allele origin: germline. Affected: yes.

Illumina Laboratory Services, Illumina
Classification: Likely benign for Niemann-Pick disease type C1. Last evaluated: 2018-01-12. Review status: criteria provided, single submitter. Criteria: ICSL Variant Classification Criteria 13 December 2019. Collection method: clinical testing. Allele origin: germline.
Comment: This variant was observed in the ICSL laboratory as part of a predisposition screen in an ostensibly healthy population. It had not been previously curated by ICSL or reported in the Human Gene Mutation Database (HGMD: prior to June 1st, 2018), and was therefore a candidate for classification through an automated scoring system. Utilizing variant allele frequency, disease prevalence and penetrance estimates, and inheritance mode, an automated score was calculated to assess if this variant is too frequent to cause the disease. Based on the score and internal cut-off values, a variant classified as likely benign is not then subjected to further curation. The score for this variant resulted in a classification of likely benign for this disease.

Eurofins Ntd Llc (ga)
Classification: Likely benign. Last evaluated: 2017-09-26. Review status: criteria provided, single submitter. Criteria: EGL Classification Definitions 2015. Collection method: clinical testing. Allele origin: germline. Observed: 1 variant allele, 1 heterozygote.

PreventionGenetics, part of Exact Sciences
Classification: Likely benign for NPC1-related condition. Last evaluated: 2021-06-14. Review status: no assertion criteria provided. Collection method: clinical testing. Allele origin: germline. Not counted in ClinVar's aggregate classification.
Comment: This variant is classified as likely benign based on ACMG/AMP sequence variant interpretation guidelines (Richards et al. 2015 PMID: 25741868, with internal and published modifications).

Natera, Inc.
Classification: Likely benign for Niemann-Pick disease type C1. Last evaluated: 2020-06-15. Review status: no assertion criteria provided. Collection method: clinical testing. Allele origin: germline. Not counted in ClinVar's aggregate classification.